The following is an entry in ClinVar:

NM_201384.3(PLEC):c.3009C>T (p.Thr1003=)

Gene: PLEC (plectin; minus strand). Cytogenetic location: 8q24.3.
Variant type: single nucleotide variant.
Coding change: c.3009C>T on transcript NM_201384.3 (MANE Select); coding-DNA position 3009, C replaced by T.
Protein change: p.Thr1003=; no amino-acid change (threonine 1003 retained).
Molecular consequence: synonymous variant.
Genome position (GRCh38, 1-based): chr8:143,929,486, G>A on the plus strand (C>T on the coding strand, the complement: PLEC is on the minus strand). VCF-style: chr8-143929486-G-A. GRCh37 (hg19) VCF-style: chr8-145003654-G-A.
Other names: c.3090C>T, p.Thr1030= (NM_000445.5); c.2967C>T, p.Thr989= (NM_201378.4); c.2943C>T, p.Thr981= (NM_201379.3); c.3420C>T, p.Thr1140= (NM_201380.4); c.2913C>T, p.Thr971= (NM_201381.3); c.3009C>T, p.Thr1003= (NM_201382.4); c.3021C>T, p.Thr1007= (NM_201383.3).
Identifiers: ClinVar variation 282297 (VCV000282297.16), dbSNP rs376276993, ClinGen allele CA4927262.

ClinVar aggregate classification (germline): Conflicting classifications of pathogenicity. Review status: criteria provided, conflicting classifications (1 of 4 stars). 4 submissions from 4 submitters: Uncertain significance (1); Likely benign (2). 1 of the submissions does not count toward it. Last evaluated 2026-01-26.

Conditions:
PLEC-related disorder. Also called: PLEC-related condition; PLEC-related disorders.
Autosomal recessive limb-girdle muscular dystrophy type 2Q (LGMDR17). Also called: MUSCULAR DYSTROPHY, LIMB-GIRDLE, AUTOSOMAL RECESSIVE 17. Identifiers: Orphanet 254361, MedGen C3150989, MONDO:0013390, OMIM 613723.
Epidermolysis bullosa simplex 5B, with muscular dystrophy (EBS5B). Also called: EPIDERMOLYSIS BULLOSA SIMPLEX AND LIMB-GIRDLE MUSCULAR DYSTROPHY; Epidermolysis bullosa simplex with muscular dystrophy. Identifiers: Orphanet 257, MedGen C2931072, MONDO:0009181, OMIM 226670.
Epidermolysis bullosa simplex with nail dystrophy (EBS5D). Identifiers: MedGen C4225309, MONDO:0014661, OMIM 616487.
Epidermolysis bullosa simplex 5C, with pyloric atresia (EBS5C). Also called: PLEC-Related Epidermolysis Bullosa with Pyloric Atresia; PLEC1-Related Epidermolysis Bullosa with Pyloric Atresia; Epidermolysis bullosa simplex with pyloric atresia. Identifiers: Orphanet 158684, MedGen C2677349, MONDO:0012807, OMIM 612138.
Epidermolysis bullosa simplex, Ogna type (EBS5A). Also called: Pidermolysis bullosa simplex 5A, Ogna type; EPIDERMOLYSIS BULLOSA SIMPLEX 5A, OGNA TYPE. Identifiers: Orphanet 79401, MedGen C0432317, MONDO:0007555, OMIM 131950.

Allele frequency attached by ClinVar (database versions not stated): gnomAD 0.00006 and 0.00004; ESP Exome Variant Server 0.00008; gnomAD exomes 0.00002 and 0.00003; ExAC 0.00004; TOPMed 0.00004; 1000 Genomes Project 0.00040; 1000 Genomes Project 30x 0.00047.
gnomAD v4.1: 48 of 1,607,374 alleles (0.003%); highest among the groups gnomAD compares: African/African-American, 0.013%; no homozygotes.

Submissions (4):

Labcorp Genetics (formerly Invitae), Labcorp
Classification: Likely benign for Autosomal recessive limb-girdle muscular dystrophy type 2Q; Epidermolysis bullosa simplex, Ogna type; Epidermolysis bullosa simplex with nail dystrophy; Epidermolysis bullosa simplex 5C, with pyloric atresia; Epidermolysis bullosa simplex 5B, with muscular dystrophy. Last evaluated: 2026-01-26. Review status: criteria provided, single submitter. Criteria: Invitae Variant Classification Sherloc (09022015). Collection method: clinical testing. Allele origin: germline.

Blueprint Genetics
Classification: Likely benign. Last evaluated: 2022-11-23. Review status: criteria provided, single submitter. Criteria: ACMG Guidelines, 2015. Collection method: clinical testing. Allele origin: germline.

Eurofins Ntd Llc (ga)
Classification: Uncertain significance. Last evaluated: 2015-08-31. Review status: criteria provided, single submitter. Criteria: EGL Classification Definitions 2015. Collection method: clinical testing. Allele origin: germline. Observed: 1 variant allele, 1 heterozygote.

PreventionGenetics, part of Exact Sciences
Classification: Likely benign for PLEC-related condition. Last evaluated: 2022-09-30. Review status: no assertion criteria provided. Collection method: clinical testing. Allele origin: germline. Not counted in ClinVar's aggregate classification.
Comment: This variant is classified as likely benign based on ACMG/AMP sequence variant interpretation guidelines (Richards et al. 2015 PMID: 25741868, with internal and published modifications).